The following is an entry in ClinVar:

NM_004281.4(BAG3):c.181-15C>T

Gene: BAG3 (BAG cochaperone 3; plus strand). Cytogenetic location: 10q26.11.
Variant type: single nucleotide variant.
Coding change: c.181-15C>T on transcript NM_004281.4 (MANE Select); 15 bases into the intron before coding-DNA position 181, C replaced by T.
Molecular consequence: intron variant.
Genome position (GRCh38, 1-based): chr10:119,669,836, C>T. VCF-style: chr10-119669836-C-T. GRCh37 (hg19) VCF-style: chr10-121429348-C-T.
Identifiers: ClinVar variation 44779 (VCV000044779.17), dbSNP rs397516882, ClinGen allele CA135018.

ClinVar aggregate classification (germline): Conflicting classifications of pathogenicity. Review status: criteria provided, conflicting classifications (1 of 4 stars). 5 submissions from 4 submitters: Uncertain significance (2); Benign (3). Last evaluated 2026-01-27.

Conditions:
Dilated cardiomyopathy 1HH (CMD1HH). Identifiers: Orphanet 154, MedGen C3151293, MONDO:0013479, OMIM 613881.
Myofibrillar myopathy 6. Identifiers: Orphanet 199340, MedGen C2751831, MONDO:0013061, OMIM 612954.

Allele frequency attached by ClinVar (database versions not stated): gnomAD 0.00004 and 0.00007; gnomAD exomes 0.00005 and 0.00024; ExAC 0.00017; TOPMed 0.00019.
gnomAD v4.1: 83 of 1,612,862 alleles (0.0051%); highest among the groups gnomAD compares: Admixed American, 0.13%; no homozygotes.

Submissions (5):

Labcorp Genetics (formerly Invitae), Labcorp
Classification: Benign for Dilated cardiomyopathy 1HH; Myofibrillar myopathy 6. Last evaluated: 2026-01-27. Review status: criteria provided, single submitter. Criteria: Invitae Variant Classification Sherloc (09022015). Collection method: clinical testing. Allele origin: germline.

Women's Health and Genetics/Laboratory Corporation of America, LabCorp
Classification: Benign. Last evaluated: 2020-02-24. Review status: criteria provided, single submitter. Criteria: LabCorp Variant Classification Summary - May 2015. Collection method: clinical testing. Allele origin: germline.
Comment: Variant summary: BAG3 c.181-15C>T alters a non-conserved nucleotide located close to a canonical splice site and therefore could affect mRNA splicing, leading to a significantly altered protein sequence. 4/4 computational tools predict no significant impact on normal splicing. However, these predictions have yet to be confirmed by functional studies. The variant allele was found at a frequency of 0.00024 in 250636 control chromosomes, predominantly at a frequency of 0.0017 within the Latino subpopulation in the gnomAD database. The observed variant frequency within Latino control individuals in the gnomAD database is approximately 68-fold the estimated maximal expected allele frequency for a pathogenic variant in BAG3 causing Cardiomyopathy phenotype (2.5e-05), strongly suggesting that the variant is a benign polymorphism found primarily in populations of Latino origin. To our knowledge, no occurrence of c.181-15C>T in individuals affected with Cardiomyopathy and no experimental evidence demonstrating its impact on protein function have been reported. One clinical diagnostic laboratory has submitted clinical-significance assessments for this variant to ClinVar after 2014 without evidence for independent evaluation and cited the variant as likely benign. Based on the evidence outlined above, the variant was classified as benign.

Illumina Laboratory Services, Illumina
Classification: Benign for Myofibrillar myopathy 6. Last evaluated: 2018-01-13. Review status: criteria provided, single submitter. Criteria: ICSL Variant Classification Criteria 13 December 2019. Collection method: clinical testing. Allele origin: germline.
Comment: This variant was observed in the ICSL laboratory as part of a predisposition screen in an ostensibly healthy population. It had not been previously curated by ICSL or reported in the Human Gene Mutation Database (HGMD: prior to June 1st, 2018), and was therefore a candidate for classification through an automated scoring system. Utilizing variant allele frequency, disease prevalence and penetrance estimates, and inheritance mode, an automated score was calculated to assess if this variant is too frequent to cause the disease. Based on the score and internal cut-off values, a variant classified as benign is not then subjected to further curation. The score for this variant resulted in a classification of benign for this disease.

Illumina Laboratory Services, Illumina
Classification: Uncertain significance for Dilated cardiomyopathy 1HH. Last evaluated: 2018-01-13. Review status: criteria provided, single submitter. Criteria: ICSL Variant Classification Criteria 13 December 2019. Collection method: clinical testing. Allele origin: germline.

Laboratory for Molecular Medicine, Mass General Brigham Personalized Medicine
Classification: Uncertain significance. Last evaluated: 2012-12-06. Review status: criteria provided, single submitter. Criteria: LMM Criteria. Collection method: clinical testing. Allele origin: germline. Observed: 1 variant allele.
Comment: Variant classified as Uncertain Significance - Favor Benign. The 181-15C>T varia nt in BAG3 has not been reported in the literature nor previously identified by our laboratory. This variant has not been identified in large and broad European American and African American populations by the NHLBI Exome Sequencing Project, though it remains possible that this varia nt is common in other populations. This variant is located in the 3' splice regi on. Computational tools do not suggest an impact to splicing, though this inform ation is not predictive enough to rule out pathogenicity. Additional information is needed to fully assess the clinical significance of this variant.